The following is an entry in ClinVar:

ClinVar aggregate classification (germline): Uncertain significance (1 of 4 stars; one submission).

Conditions:
Congenital myasthenic syndrome 20. Also called: Myasthenic syndrome, congenital, 20, presynaptic. Identifiers: MedGen C4310694, MONDO:0014939, OMIM 617143.
Neuronopathy, distal hereditary motor, type 7A. Also called: HARPER-YOUNG MYOPATHY; HMN VIIA; SPINAL MUSCULAR ATROPHY, DISTAL, WITH VOCAL CORD PARALYSIS; Neuronopathy, distal hereditary motor, autosomal dominant 7; NEURONOPATHY, DISTAL HEREDITARY MOTOR, HARDING TYPE VIIA; NEUROPATHY, DISTAL HEREDITARY MOTOR, HARDING TYPE VIIA. Identifiers: Orphanet 139589, MedGen C1834703, MONDO:0008024, OMIM 158580.

Allele frequency attached by ClinVar (database versions not stated): gnomAD exomes below 0.00001; ExAC 0.00001.
gnomAD v4.1: 3 of 1,612,368 alleles (0.00019%); highest among the groups gnomAD compares: Non-Finnish European, 0.00025%; no homozygotes.

Submission:

Labcorp Genetics (formerly Invitae), Labcorp
Classification: Uncertain significance for Neuronopathy, distal hereditary motor, type 7A; Congenital myasthenic syndrome 20. Last evaluated: 2024-07-02. Review status: criteria provided, single submitter. Criteria: Invitae Variant Classification Sherloc (09022015). Collection method: clinical testing. Allele origin: germline.
Comment: This sequence change replaces isoleucine, which is neutral and non-polar, with valine, which is neutral and non-polar, at codon 195 of the SLC5A7 protein (p.Ile195Val). This variant is present in population databases (rs776668635, gnomAD 0.0009%). This variant has not been reported in the literature in individuals affected with SLC5A7-related conditions. ClinVar contains an entry for this variant (Variation ID: 1038934). Advanced modeling of protein sequence and biophysical properties (such as structural, functional, and spatial information, amino acid conservation, physicochemical variation, residue mobility, and thermodynamic stability) performed at Invitae indicates that this missense variant is not expected to disrupt SLC5A7 protein function with a negative predictive value of 80%. In summary, the available evidence is currently insufficient to determine the role of this variant in disease. Therefore, it has been classified as a Variant of Uncertain Significance.

NM_021815.5(SLC5A7):c.583A>G (p.Ile195Val)

Gene: SLC5A7 (solute carrier family 5 member 7; plus strand). Cytogenetic location: 2q12.3.
Variant type: single nucleotide variant.
Coding change: c.583A>G on transcript NM_021815.5 (MANE Select); coding-DNA position 583, A replaced by G.
Protein change: p.Ile195Val; replaces isoleucine 195 with valine.
Molecular consequence: missense variant. On other transcripts: 5 prime UTR variant (1).
Genome position (GRCh38, 1-based): chr2:107,997,972, A>G. VCF-style: chr2-107997972-A-G. GRCh37 (hg19) VCF-style: chr2-108614428-A-G.
Other names: c.583A>G, p.Ile195Val (NM_001305005.3); c.268A>G, p.Ile90Val (NM_001305006.3); c.-122A>G (NM_001305007.3); short protein forms I195V, I90V.
Identifiers: ClinVar variation 1038934 (VCV001038934.5), dbSNP rs776668635, ClinGen allele CA1819000.